The following is an entry in ClinVar:

NM_001135022.2(ELMOD3):c.505C>G (p.Pro169Ala)

Gene: ELMOD3 (ELMO domain containing 3; plus strand). Cytogenetic location: 2p11.2.
Variant type: single nucleotide variant.
Coding change: c.505C>G on transcript NM_001135022.2 (MANE Select); coding-DNA position 505, C replaced by G.
Protein change: p.Pro169Ala; replaces proline 169 with alanine.
Molecular consequence: missense variant. On other transcripts: non-coding transcript variant (1).
Genome position (GRCh38, 1-based): chr2:85,371,460, C>G. VCF-style: chr2-85371460-C-G. GRCh37 (hg19) VCF-style: chr2-85598583-C-G.
Other names: c.505C>G, p.Pro169Ala (NM_001135021.2, NM_001135023.2, NM_001329791.2 and 3 more transcripts); c.505C>G (NM_001135021.1); short protein forms P169A.
Identifiers: ClinVar variation 4847213 (VCV004847213.2).
Genomic context (GRCh38, chr2:85,371,460, plus strand): 5'-GGGGCAATCTGGCAGAGAGTGTGGGTGTGTTTTGGGGCAGGTGGCCTGGATAGCCAAGAC[C>G]CAGTGCATGGCCGAGTCCTCCAGACCATCTATAAGAAGCTGACCGGCTCCAAGTTTGACT-3'
Protein context (NP_001128494.1, residues 159-179): IAQCGLDSQD[Pro169Ala]VHGRVLQTIY

ClinVar aggregate classification (germline): Uncertain significance. Review status: criteria provided, multiple submitters, no conflicts (2 of 4 stars). 2 submissions from 2 submitters: Uncertain significance (2). Last evaluated 2026-04-07.

Conditions:
ELMOD3-related disorder. Also called: ELMOD3-related condition.

gnomAD v4.1: 5 of 1,614,046 alleles (0.00031%); highest among the groups gnomAD compares: African/African-American, 0.0053%; no homozygotes.

Submissions (2):

PreventionGenetics, part of Exact Sciences
Classification: Uncertain significance for ELMOD3-related condition. Last evaluated: 2026-04-07. Review status: criteria provided, single submitter. Criteria: ACMG Guidelines, 2015. Collection method: clinical testing. Allele origin: germline.
Comment: The ELMOD3 c.505C>G variant is predicted to result in the amino acid substitution p.Pro169Ala. To our knowledge, this variant has not been reported in the literature. This variant is reported in 0.0040% of alleles in individuals of African descent in gnomAD. At this time, the clinical significance of this variant is uncertain due to the absence of conclusive functional and genetic evidence.

Women's Health and Genetics/Laboratory Corporation of America, LabCorp
Classification: Uncertain significance. Last evaluated: 2026-03-16. Review status: criteria provided, single submitter. Criteria: LabCorp Variant Classification Summary - May 2015. Collection method: clinical testing. Allele origin: germline.
Comment: Variant summary: ELMOD3 c.505C>G (p.Pro169Ala) results in a non-conservative amino acid change in the encoded protein sequence. Algorithms developed to predict the effect of missense changes on protein structure and function are either unavailable or do not agree on the potential impact of this missense change. The variant allele was found at a frequency of 4e-06 in 251220 control chromosomes. The available data on variant occurrences in the general population are insufficient to allow any conclusion about variant significance. To our knowledge, no occurrence of c.505C>G in individuals affected with ELMOD3-related conditions and no experimental evidence demonstrating its impact on protein function have been reported. No submitters have cited clinical-significance assessments for this variant to ClinVar. Based on the evidence outlined above, the variant was classified as uncertain significance.